The following is an entry in ClinVar:

ClinVar aggregate classification (germline): Likely pathogenic (1 of 4 stars; one submission).

Conditions:
Developmental and epileptic encephalopathy, 7 (DEE7). Also called: KCNQ2-Related Neonatal Epileptic Encephalopathy; Early infantile epileptic encephalopathy 7; KCNQ2-Related Neonatal-Onset Developmental and Epileptic Encephalopathy (NEO-DEE). Identifiers: Orphanet 439218, MedGen C3150986, MONDO:0013387, OMIM 613720.

Submission:

3billion
Classification: Likely pathogenic for Developmental and epileptic encephalopathy, 7. Last evaluated: 2025-02-19. Review status: criteria provided, single submitter. Criteria: ACMG Guidelines, 2015. Collection method: clinical testing. Allele origin: germline. Affected: yes.
Comment: The variant is not observed in the gnomAD v4.1.0 dataset. Predicted Consequence/Location: The variant is located in a mutational hot spot and/or well-established functional domain in which established pathogenic variants have been reported. In silico tool predictions suggest damaging effect of the variant on gene or gene product [REVEL: 0.96 (>=0.6, sensitivity 0.68 and specificity 0.92); 3Cnet: 1.00 (>=0.6, sensitivity 0.72 and precision 0.9)]. The same nucleotide change resulting in the same amino acid change has been previously reported to be associated with KCNQ2-related disorder (PMID: 34120799). Different missense changes at the same codon (p.Arg213Gln, p.Arg213Leu, p.Arg213Trp) have been reported as pathogenic/likely pathogenic with strong evidence (ClinVar ID: VCV000021795, VCV000039760, VCV001685899 /PMID: 18353052, 22275249). Therefore, this variant is classified as Likely pathogenic according to the recommendation of ACMG/AMP guideline.

Literature cited by the submitters: PubMed 34120799; PubMed 18353052.

NM_172107.4(KCNQ2):c.637C>G (p.Arg213Gly)

Gene: KCNQ2 (potassium voltage-gated channel subfamily Q member 2; minus strand). Cytogenetic location: 20q13.33.
Variant type: single nucleotide variant.
Coding change: c.637C>G on transcript NM_172107.4 (MANE Select); coding-DNA position 637, C replaced by G.
Protein change: p.Arg213Gly; replaces arginine 213 with glycine.
Molecular consequence: missense variant.
Genome position (GRCh38, 1-based): chr20:63,444,712, G>C on the plus strand (C>G on the coding strand, the complement: KCNQ2 is on the minus strand). VCF-style: chr20-63444712-G-C. GRCh37 (hg19) VCF-style: chr20-62076065-G-C.
Other names: c.637C>G, p.Arg213Gly (NM_001382235.1, NM_001439003.1, NM_001439004.1 and 4 more transcripts); short protein forms R213G.
Identifiers: ClinVar variation 4291746 (VCV004291746.1).